The following is an entry in ClinVar:

ClinVar aggregate classification (germline): Uncertain significance (1 of 4 stars; one submission).

Conditions:
Frontometaphyseal dysplasia 1 (FMD1). Also called: Frontometaphyseal Dysplasia (FLNA-FMD). Identifiers: Orphanet 1826, MedGen C4281559, MONDO:0024550, OMIM 305620.
Oto-palato-digital syndrome, type I (OPD1). Also called: OPD I SYNDROME; OPD SYNDROME 1; Otopalatodigital Syndrome, Type I; Otopalatodigital Syndrome Type 1 (FLNA-OPD1); Taybi syndrome. Identifiers: Orphanet 669, Orphanet 90650, MedGen C0265251, MONDO:0010704, OMIM 311300.
Oto-palato-digital syndrome, type II (OPD2). Also called: OPD II SYNDROME; Otopalatodigital Syndrome, Type II; Otopalatodigital Syndrome Type 2 (FLNA-OPD2); FACIOPALATOOSSEOUS SYNDROME. Identifiers: Orphanet 669, Orphanet 90652, MedGen C1844696, MONDO:0010571, OMIM 304120.
Melnick-Needles syndrome (MNS). Also called: MELNICK-NEEDLES OSTEODYSPLASTY; OSTEODYSPLASTY OF MELNICK AND NEEDLES; Melnick-Needles Syndrome (FLNA-MNS). Identifiers: Orphanet 2484, MedGen C0025237, MONDO:0010650, OMIM 309350.
FG syndrome 2 (FGS2). Identifiers: MedGen C1845902, MONDO:0010297, OMIM 300321.
Cardiac valvular dysplasia, X-linked (CVDPX). Also called: FLNA-Related X-linked Cardiac Valvular Dysplasia; MYXOMATOUS VALVULAR DYSTROPHY, X-LINKED; Isolated X-Linked Cardiac Valvular Dysplasia; VALVULAR HEART DISEASE, CONGENITAL; Congenital valvular dysplasia. Identifiers: Orphanet 1864, Orphanet 555877, Orphanet 75497, MedGen C0262436, MONDO:0010753, OMIM 314400.
Terminal osseous dysplasia-pigmentary defects syndrome. Also called: ODPD; ODPF SYNDROME; OSSEOUS DYSPLASIA, DIGITAL, WITH FACIAL PIGMENTARY DEFECTS AND MULTIPLE FRENULA; TERMINAL OSSEOUS DYSPLASIA AND PIGMENTARY DEFECTS; Terminal Osseous Dysplasia (FLNA-TOD). Identifiers: Orphanet 88630, MedGen C1846129, MONDO:0010279, OMIM 300244.
Intestinal pseudoobstruction, neuronal, chronic idiopathic, X-linked (CIIPX). Also called: INTESTINAL PSEUDOOBSTRUCTION, NEURONAL, CHRONIC IDIOPATHIC, WITH CENTRAL NERVOUS SYSTEM INVOLVEMENT; FLNA-Related Periventricular Nodular Heterotopia (FLNA-Related PVNH; Huttenlocher Syndrome); CONGENITAL IDIOPATHIC INTESTINAL PSEUDOOBSTRUCTION. Identifiers: Orphanet 2301, MedGen C2746068, MONDO:0010232, OMIM 300048.
Heterotopia, periventricular, X-linked dominant (PVNH1). Also called: PERIVENTRICULAR NODULAR HETEROTOPIA 1; PERIVENTRICULAR NODULAR HETEROTOPIA 4; HETEROTOPIA, PERIVENTRICULAR, 1; X-linked periventricular heterotopia. Identifiers: Orphanet 2149, Orphanet 82004, MedGen C1848213, MONDO:0010233, OMIM 300049.

Submission:

Juno Genomics, Hangzhou Juno Genomics, Inc
Classification: Uncertain significance for FG syndrome 2; Cardiac valvular dysplasia, X-linked; Intestinal pseudoobstruction, neuronal, chronic idiopathic, X-linked; Frontometaphyseal dysplasia 1; Heterotopia, periventricular, X-linked dominant; Melnick-Needles syndrome; Oto-palato-digital syndrome, type I; Oto-palato-digital syndrome, type II; Terminal osseous dysplasia-pigmentary defects syndrome. Review status: criteria provided, single submitter. Criteria: ACMG Guidelines, 2015. Collection method: clinical testing. Allele origin: germline.
Comment: Absent from controls (or at extremely low frequency if recessive) in Genome Aggregation Database.;Multiple lines of computational evidence support a deleterious effect on the gene or gene product.

NM_001110556.2(FLNA):c.5689G>C (p.Gly1897Arg)

Gene: FLNA (filamin A; minus strand). Cytogenetic location: Xq28.
Variant type: single nucleotide variant.
Coding change: c.5689G>C on transcript NM_001110556.2 (MANE Select); coding-DNA position 5689, G replaced by C.
Protein change: p.Gly1897Arg; replaces glycine 1897 with arginine.
Molecular consequence: missense variant.
Genome position (GRCh38, 1-based): chrX:154,353,725, C>G on the plus strand (G>C on the coding strand, the complement: FLNA is on the minus strand). VCF-style: chrX-154353725-C-G. GRCh37 (hg19) VCF-style: chrX-153582093-C-G.
Other names: c.5665G>C, p.Gly1889Arg (NM_001456.4); short protein forms G1889R, G1897R.
Identifiers: ClinVar variation 5007530 (VCV005007530.2).